The following is an entry in ClinVar:

NM_002460.4(IRF4):c.842C>T (p.Thr281Met)

Gene: IRF4 (interferon regulatory factor 4; plus strand). Cytogenetic location: 6p25.3.
Variant type: single nucleotide variant.
Coding change: c.842C>T on transcript NM_002460.4 (MANE Select); coding-DNA position 842, C replaced by T.
Protein change: p.Thr281Met; replaces threonine 281 with methionine.
Molecular consequence: missense variant. On other transcripts: non-coding transcript variant (1).
Genome position (GRCh38, 1-based): chr6:401,520, C>T. VCF-style: chr6-401520-C-T. GRCh37 (hg19) VCF-style: chr6-401520-C-T.
Other names: c.839C>T, p.Thr280Met (NM_001195286.2); short protein forms T280M, T281M.
Identifiers: ClinVar variation 3623337 (VCV003623337.2).

ClinVar aggregate classification (germline): Uncertain significance (1 of 4 stars; one submission).

gnomAD v4.1: 19 of 1,614,062 alleles (0.0012%); highest among the groups gnomAD compares: Non-Finnish European, 0.0014%; no homozygotes.

Submission:

Labcorp Genetics (formerly Invitae), Labcorp
Classification: Uncertain significance. Last evaluated: 2025-02-10. Review status: criteria provided, single submitter. Criteria: Invitae Variant Classification Sherloc (09022015). Collection method: clinical testing. Allele origin: germline.
Comment: This sequence change replaces threonine, which is neutral and polar, with methionine, which is neutral and non-polar, at codon 281 of the IRF4 protein (p.Thr281Met). This variant is present in population databases (rs751008894, gnomAD 0.003%). This variant has not been reported in the literature in individuals affected with IRF4-related conditions. An algorithm developed to predict the effect of missense changes on protein structure and function (PolyPhen-2) suggests that this variant is likely to be disruptive. In summary, the available evidence is currently insufficient to determine the role of this variant in disease. Therefore, it has been classified as a Variant of Uncertain Significance.